The following is an entry in ClinVar:

NM_001039141.3(TRIOBP):c.5476A>C (p.Thr1826Pro)

Genes: TRIOBP (TRIO and F-actin binding protein; plus strand), LOC126863145 (CDK7 strongly-dependent group 2 enhancer GRCh37_chr22:38150829-38152028; plus strand). Cytogenetic location: 22q13.1.
Variant type: single nucleotide variant.
Coding change: c.5476A>C on transcript NM_001039141.3 (MANE Select); coding-DNA position 5476, A replaced by C.
Protein change: p.Thr1826Pro; replaces threonine 1826 with proline.
Molecular consequence: missense variant.
Genome position (GRCh38, 1-based): chr22:37,754,973, A>C. VCF-style: chr22-37754973-A-C. GRCh37 (hg19) VCF-style: chr22-38150980-A-C.
Other names: c.337A>C, p.Thr113Pro (NM_007032.5, NM_138632.2); short protein forms T113P, T1826P.
Identifiers: ClinVar variation 1065064 (VCV001065064.3), dbSNP rs1925835902, ClinGen allele CA411505092.

ClinVar aggregate classification (germline): Uncertain significance (1 of 4 stars; one submission).

Conditions:
Hearing impairment. Also called: Impaired Hearing. Identifiers: MedGen C1384666, MONDO:0005365, HP:0000365.

Submission:

Department of Otolaryngology – Head & Neck Surgery, Cochlear Implant Center
Classification: Uncertain significance for Hearing impairment. Last evaluated: 2021-04-12. Review status: criteria provided, single submitter. Criteria: ClinGen HL ACMG Specifications v1. Collection method: clinical testing. Allele origin: germline. Affected: yes.
Comment: PM2_Moderate, PP3_Supporting